The following is an entry in ClinVar:

ClinVar aggregate classification (germline): Uncertain significance. Review status: criteria provided, multiple submitters, no conflicts (2 of 4 stars). 2 submissions from 2 submitters: Uncertain significance (2). Last evaluated 2025-08-28.

Allele frequency attached by ClinVar (database versions not stated): gnomAD exomes below 0.00001 and 0.00001; ExAC 0.00001.
gnomAD v4.1: 2 of 1,613,250 alleles (0.00012%); highest among the groups gnomAD compares: Admixed American, 0.0033%; no homozygotes.

Submissions (2):

Ambry Genetics
Classification: Uncertain significance. Last evaluated: 2025-08-28. Review status: criteria provided, single submitter. Criteria: Ambry Variant Classification Scheme 2023. Collection method: clinical testing. Allele origin: germline.

Labcorp Genetics (formerly Invitae), Labcorp
Classification: Uncertain significance. Last evaluated: 2021-07-14. Review status: criteria provided, single submitter. Criteria: Invitae Variant Classification Sherloc (09022015). Collection method: clinical testing. Allele origin: germline.
Comment: This sequence change replaces glutamic acid with alanine at codon 15 of the RGR protein (p.Glu15Ala). The glutamic acid residue is highly conserved and there is a moderate physicochemical difference between glutamic acid and alanine. The frequency data for this variant in the population databases is considered unreliable, as metrics indicate poor data quality at this position in the ExAC database. This variant has not been reported in the literature in individuals affected with RGR-related conditions. Algorithms developed to predict the effect of missense changes on protein structure and function are either unavailable or do not agree on the potential impact of this missense change (SIFT: "Deleterious"; PolyPhen-2: "Not Available"; Align-GVGD: "Class C0"). In summary, the available evidence is currently insufficient to determine the role of this variant in disease. Therefore, it has been classified as a Variant of Uncertain Significance.

NM_001012720.2(RGR):c.44A>C (p.Glu15Ala)

Gene: RGR (retinal G protein coupled receptor; plus strand). Cytogenetic location: 10q23.1.
Variant type: single nucleotide variant.
Coding change: c.44A>C on transcript NM_001012720.2 (MANE Select); coding-DNA position 44, A replaced by C.
Protein change: p.Glu15Ala; replaces glutamic acid 15 with alanine.
Molecular consequence: missense variant.
Genome position (GRCh38, 1-based): chr10:84,245,134, A>C. VCF-style: chr10-84245134-A-C. GRCh37 (hg19) VCF-style: chr10-86004890-A-C.
Other names: c.44A>C (NM_001012720.1); c.44A>C, p.Glu15Ala (NM_001012722.2, NM_002921.4); short protein forms E15A.
Identifiers: ClinVar variation 1501817 (VCV001501817.9), dbSNP rs780865488, ClinGen allele CA5581277.